The following is an entry in ClinVar:

NM_004990.4(MARS1):c.752G>T (p.Arg251Leu)

Gene: MARS1 (methionyl-tRNA synthetase 1; plus strand). Cytogenetic location: 12q13.3.
Variant type: single nucleotide variant.
Coding change: c.752G>T on transcript NM_004990.4 (MANE Select); coding-DNA position 752, G replaced by T.
Protein change: p.Arg251Leu; replaces arginine 251 with leucine.
Molecular consequence: missense variant.
Genome position (GRCh38, 1-based): chr12:57,490,626, G>T. VCF-style: chr12-57490626-G-T. GRCh37 (hg19) VCF-style: chr12-57884409-G-T.
Other names: short protein forms R251L.
Identifiers: ClinVar variation 4782901 (VCV004782901.1).

ClinVar aggregate classification (germline): Uncertain significance (1 of 4 stars; one submission).

Conditions:
Severe early-onset pulmonary alveolar proteinosis due to MARS deficiency. Also called: PULMONARY ALVEOLAR PROTEINOSIS, REUNION ISLAND; Interstitial lung and liver disease. Identifiers: Orphanet 440427, MedGen C4225400, MONDO:0014206, OMIM 615486.
Charcot-Marie-Tooth disease axonal type 2U. Also called: CHARCOT-MARIE-TOOTH NEUROPATHY, TYPE 2U; CHARCOT-MARIE-TOOTH DISEASE, AXONAL, AUTOSOMAL DOMINANT, TYPE 2U. Identifiers: Orphanet 397735, MedGen C4084821, MONDO:0014566, OMIM 616280.

gnomAD v4.1: 6 of 1,613,914 alleles (0.00037%); highest among the groups gnomAD compares: Non-Finnish European, 0.00042%; no homozygotes.

Submission:

Labcorp Genetics (formerly Invitae), Labcorp
Classification: Uncertain significance for Charcot-Marie-Tooth disease axonal type 2U; Severe early-onset pulmonary alveolar proteinosis due to MARS deficiency. Last evaluated: 2025-11-09. Review status: criteria provided, single submitter. Criteria: Invitae Variant Classification Sherloc (09022015). Collection method: clinical testing. Allele origin: germline.
Comment: This sequence change replaces arginine, which is basic and polar, with leucine, which is neutral and non-polar, at codon 251 of the MARS1 protein (p.Arg251Leu). This variant is present in population databases (rs750799873, gnomAD 0.002%). This variant has not been reported in the literature in individuals affected with MARS1-related conditions. An algorithm developed to predict the effect of missense changes on protein structure and function (PolyPhen-2) suggests that this variant is likely to be tolerated. In summary, the available evidence is currently insufficient to determine the role of this variant in disease. Therefore, it has been classified as a Variant of Uncertain Significance.